The following is an entry in ClinVar:

ClinVar aggregate classification (germline): Pathogenic (1 of 4 stars; one submission).

Conditions:
Meckel-Gruber syndrome. Also called: DYSENCEPHALIA SPLANCHNOCYSTICA; GRUBER SYNDROME; Dysencephalia splachnocystica. Identifiers: Orphanet 564, MedGen C0265215, MONDO:0018921.
Nephronophthisis. Also called: Juvenile Nephronophthisis. Identifiers: Orphanet 655, MedGen C0687120, MONDO:0019005, HP:0000090.
Joubert syndrome. Also called: CEREBELLOPARENCHYMAL DISORDER IV; JOUBERT-BOLTSHAUSER SYNDROME; Familial aplasia of the vermis. Identifiers: Orphanet 475, MedGen C5979921, MONDO:0018772.

Submission:

Labcorp Genetics (formerly Invitae), Labcorp
Classification: Pathogenic for Joubert syndrome; Meckel-Gruber syndrome; Nephronophthisis. Last evaluated: 2019-02-05. Review status: criteria provided, single submitter. Criteria: Invitae Variant Classification Sherloc (09022015). Collection method: clinical testing. Allele origin: germline.
Comment: This sequence change creates a premature translational stop signal (p.Val2015Thrfs*5) in the CEP290 gene. It is expected to result in an absent or disrupted protein product. This variant is not present in population databases (ExAC no frequency). This variant has not been reported in the literature in individuals with CEP290-related conditions. Loss-of-function variants in CEP290 are known to be pathogenic (PMID: 16909394, 17345604, 20690115). For these reasons, this variant has been classified as Pathogenic.

Literature cited by the submitters: PubMed 16909394; PubMed 17345604; PubMed 20690115.

NM_025114.4(CEP290):c.6043_6053del (p.Val2015fs)

Gene: CEP290 (centrosomal protein 290; minus strand). Cytogenetic location: 12q21.32.
Variant type: Deletion.
Coding change: c.6043_6053del on transcript NM_025114.4 (MANE Select); coding-DNA positions 6043 to 6053, 11 bases deleted (GTAGAAGATTT).
Protein change: p.Val2015fs; shifts the reading frame from valine 2015.
Molecular consequence: frameshift variant.
Genome position (GRCh38, 1-based): chr12:88,068,604-88,068,614, AAATCTTCTAC deleted on the plus strand (GTAGAAGATTT on the coding strand, the reverse complement: CEP290 is on the minus strand); deleting any 11 consecutive bases within chr12:88,068,604-88,068,616 gives the same sequence; the c. name uses the placement nearest the transcript's 3' end. VCF-style (leftmost placement, unchanged base first): chr12-88068603-TAAATCTTCTAC-T. GRCh37 (hg19) VCF-style: chr12-88462380-TAAATCTTCTAC-T.
Other names: short protein forms V2015fs.
Identifiers: ClinVar variation 846159 (VCV000846159.8), dbSNP rs2035124136, ClinGen allele CA916083322.